The following is an entry in ClinVar:

ClinVar aggregate classification (germline): Conflicting classifications of pathogenicity. Review status: criteria provided, conflicting classifications (1 of 4 stars). 4 submissions from 4 submitters: Uncertain significance (3); Likely benign (1). Last evaluated 2025-05-06.

Conditions:
Hereditary cancer-predisposing syndrome. Also called: Neoplastic Syndromes, Hereditary; Tumor predisposition; Hereditary Cancer Syndrome; Hereditary neoplastic syndrome. Identifiers: Orphanet 140162, MedGen C0027672, MeSH D009386, MONDO:0015356.
Hereditary breast ovarian cancer syndrome. Also called: Hereditary breast and ovarian cancer; Hereditary breast and/or ovarian cancer syndrome; BRCA1- and BRCA2-Associated Hereditary Breast and Ovarian Cancer; Hereditary breast and ovarian cancer syndrome (HBOC); Hereditary breast and ovarian cancer syndrome; Breast and ovarian cancer. Identifiers: Orphanet 145, MedGen C0677776, MeSH D061325, MONDO:0003582. Disease mechanism: loss of function.

Allele frequency attached by ClinVar (database versions not stated): gnomAD exomes 0.00001.
gnomAD v4.1: 9 of 1,606,312 alleles (0.00056%); highest among the groups gnomAD compares: Non-Finnish European, 0.00068%; no homozygotes.

Submissions (4):

Ambry Genetics
Classification: Likely benign for Hereditary cancer-predisposing syndrome. Last evaluated: 2025-05-06. Review status: criteria provided, single submitter. Criteria: Ambry Variant Classification Scheme 2023. Collection method: clinical testing. Allele origin: germline.

Quest Diagnostics Nichols Institute San Juan Capistrano
Classification: Uncertain significance. Last evaluated: 2023-08-19. Review status: criteria provided, single submitter. Criteria: Quest Diagnostics criteria. Collection method: clinical testing. Allele origin: unknown.
Comment: This variant has not been reported in individuals with BRCA2-related conditions in the published literature. It also has not been reported in large, multi-ethnic general populations (Genome Aggregation Database). Analysis of this variant using bioinformatics tools for the prediction of the effect of amino acid changes on protein structure and function yielded predictions that this variant is benign. Based on the available information, we are unable to determine the clinical significance of this variant.

Labcorp Genetics (formerly Invitae), Labcorp
Classification: Uncertain significance for Hereditary breast ovarian cancer syndrome. Last evaluated: 2023-08-10. Review status: criteria provided, single submitter. Criteria: Invitae Variant Classification Sherloc (09022015). Collection method: clinical testing. Allele origin: germline.
Comment: In summary, the available evidence is currently insufficient to determine the role of this variant in disease. Therefore, it has been classified as a Variant of Uncertain Significance. Algorithms developed to predict the effect of missense changes on protein structure and function output the following: SIFT: "Not Available"; PolyPhen-2: "Benign"; Align-GVGD: "Not Available". The leucine amino acid residue is found in multiple mammalian species, which suggests that this missense change does not adversely affect protein function. ClinVar contains an entry for this variant (Variation ID: 186499). This variant has not been reported in the literature in individuals affected with BRCA2-related conditions. This variant is not present in population databases (gnomAD no frequency). This sequence change replaces methionine, which is neutral and non-polar, with leucine, which is neutral and non-polar, at codon 3217 of the BRCA2 protein (p.Met3217Leu).

Color Diagnostics, LLC DBA Color Health
Classification: Uncertain significance for Hereditary cancer-predisposing syndrome. Last evaluated: 2019-01-08. Review status: criteria provided, single submitter. Criteria: ACMG Guidelines, 2015. Collection method: clinical testing. Allele origin: germline.

NM_000059.4(BRCA2):c.9649A>C (p.Met3217Leu)

Gene: BRCA2 (BRCA2 DNA repair associated; plus strand). Cytogenetic location: 13q13.1.
Variant type: single nucleotide variant.
Coding change: c.9649A>C on transcript NM_000059.4 (MANE Select); coding-DNA position 9649, A replaced by C.
Protein change: p.Met3217Leu; replaces methionine 3217 with leucine.
Molecular consequence: missense variant.
Genome position (GRCh38, 1-based): chr13:32,398,162, A>C. VCF-style: chr13-32398162-A-C. GRCh37 (hg19) VCF-style: chr13-32972299-A-C.
Other names: short protein forms M3217L.
Identifiers: ClinVar variation 186499 (VCV000186499.18), dbSNP rs786203000, ClinGen allele CA026257.